The following is an entry in ClinVar:

NM_002470.4(MYH3):c.504T>C (p.Thr168=)

Gene: MYH3 (myosin heavy chain 3; minus strand). Cytogenetic location: 17p13.1.
Variant type: single nucleotide variant.
Coding change: c.504T>C on transcript NM_002470.4 (MANE Select); coding-DNA position 504, T replaced by C.
Protein change: p.Thr168=; no amino-acid change (threonine 168 retained).
Molecular consequence: synonymous variant.
Genome position (GRCh38, 1-based): chr17:10,651,513, A>G on the plus strand (T>C on the coding strand, the complement: MYH3 is on the minus strand). VCF-style: chr17-10651513-A-G. GRCh37 (hg19) VCF-style: chr17-10554830-A-G.
Identifiers: ClinVar variation 2196921 (VCV002196921.4), dbSNP rs1304032325, ClinGen allele CA497844121.

ClinVar aggregate classification (germline): Uncertain significance (1 of 4 stars; one submission).

Submission:

Labcorp Genetics (formerly Invitae), Labcorp
Classification: Uncertain significance. Last evaluated: 2022-09-08. Review status: criteria provided, single submitter. Criteria: Invitae Variant Classification Sherloc (09022015). Collection method: clinical testing. Allele origin: germline.
Comment: This sequence change affects codon 168 of the MYH3 mRNA. It is a 'silent' change, meaning that it does not change the encoded amino acid sequence of the MYH3 protein. It affects a nucleotide within the consensus splice site. This variant is not present in population databases (gnomAD no frequency). This variant has not been reported in the literature in individuals affected with MYH3-related conditions. Algorithms developed to predict the effect of sequence changes on RNA splicing suggest that this variant is not likely to affect RNA splicing. In summary, the available evidence is currently insufficient to determine the role of this variant in disease. Therefore, it has been classified as a Variant of Uncertain Significance.